The following is an entry in ClinVar:

NM_001032283.3(TMPO):c.565+2176C>T

Gene: TMPO (thymopoietin; plus strand). Cytogenetic location: 12q23.1.
Variant type: single nucleotide variant.
Coding change: c.565+2176C>T on transcript NM_001032283.3 (MANE Select); 2176 bases into the intron after coding-DNA position 565, C replaced by T.
Molecular consequence: intron variant. On other transcripts: missense variant (1).
Genome position (GRCh38, 1-based): chr12:98,534,014, C>T. VCF-style: chr12-98534014-C-T. GRCh37 (hg19) VCF-style: chr12-98927792-C-T.
Other names: c.1757C>T, p.Thr586Ile (NM_003276.2); c.565+2176C>T (NM_001307975.2, NM_001032284.3); short protein forms T586I.
Identifiers: ClinVar variation 1779490 (VCV001779490.2), dbSNP rs1226654981, ClinGen allele CA386153872.
Genomic context (GRCh38, chr12:98,534,014, plus strand): 5'-ACTTAGCACTCTGTAGAGCATATGAAGCTGCAGCATCAGCATTGCAGATTGCAACTCACA[C>T]TGCCTTTGTAGCTAAGGCTATGCAGGCAGACATTAGTCAAGCTGCACAGATTCTTAGCTC-3'

ClinVar aggregate classification (germline): Uncertain significance (1 of 4 stars; one submission).

Allele frequency attached by ClinVar (database versions not stated): gnomAD 0.00001.
gnomAD v4.1: 1 of 1,607,676 alleles (0.000062%); highest among the groups gnomAD compares: Non-Finnish European, 0.000085%; no homozygotes.

Submission:

Ambry Genetics
Classification: Uncertain significance. Last evaluated: 2022-05-27. Review status: criteria provided, single submitter. Criteria: Ambry Variant Classification Scheme 2023. Collection method: clinical testing. Allele origin: germline.
Comment: The p.T586I variant (also known as c.1757C>T), located in coding exon 4 of the TMPO gene, results from a C to T substitution at nucleotide position 1757. The threonine at codon 586 is replaced by isoleucine, an amino acid with similar properties. This amino acid position is conserved. In addition, this alteration is predicted to be tolerated by in silico analysis. Since supporting evidence is limited at this time, the clinical significance of this alteration remains unclear.